The following is an entry in ClinVar:

ClinVar aggregate classification (germline): Uncertain significance. Review status: criteria provided, multiple submitters, no conflicts (2 of 4 stars). 2 submissions from 2 submitters: Uncertain significance (2). Last evaluated 2024-03-06.

Allele frequency attached by ClinVar (database versions not stated): gnomAD 0.00001; TOPMed 0.00001; ExAC 0.00002.
gnomAD v4.1: 1 of 1,202,567 alleles (0.000083%); highest among the groups gnomAD compares: Non-Finnish European, 0.00011%; no homozygotes.

Submissions (2):

Women's Health and Genetics/Laboratory Corporation of America, LabCorp
Classification: Uncertain significance. Last evaluated: 2024-03-06. Review status: criteria provided, single submitter. Criteria: LabCorp Variant Classification Summary - May 2015. Collection method: clinical testing. Allele origin: germline.

CeGaT Center for Human Genetics Tuebingen
Classification: Uncertain significance. Last evaluated: 2022-07-01. Review status: criteria provided, single submitter. Criteria: CeGaT Center For Human Genetics Tuebingen Variant Classification Criteria Version 2. Collection method: clinical testing. Allele origin: germline. Affected: yes. Observed: 1 variant allele.
Comment: GJB1: PM2

NM_000166.6(GJB1):c.439G>T (p.Ala147Ser)

Gene: GJB1 (gap junction protein beta 1; plus strand). Cytogenetic location: Xq13.1.
Variant type: single nucleotide variant.
Coding change: c.439G>T on transcript NM_000166.6 (MANE Select); coding-DNA position 439, G replaced by T.
Protein change: p.Ala147Ser; replaces alanine 147 with serine.
Molecular consequence: missense variant.
Genome position (GRCh38, 1-based): chrX:71,224,146, G>T. VCF-style: chrX-71224146-G-T. GRCh37 (hg19) VCF-style: chrX-70443996-G-T.
Other names: c.439G>T, p.Ala147Ser (NM_001097642.3); short protein forms A147S.
Identifiers: ClinVar variation 2660859 (VCV002660859.26), dbSNP rs760123011, ClinGen allele CA10445300.